The following is an entry in ClinVar:

NM_001083961.2(WDR62):c.3652A>G (p.Met1218Val)

Gene: WDR62 (WD repeat domain 62; plus strand). Cytogenetic location: 19q13.12.
Variant type: single nucleotide variant.
Coding change: c.3652A>G on transcript NM_001083961.2 (MANE Select); coding-DNA position 3652, A replaced by G.
Protein change: p.Met1218Val; replaces methionine 1218 with valine.
Molecular consequence: missense variant.
Genome position (GRCh38, 1-based): chr19:36,103,480, A>G. VCF-style: chr19-36103480-A-G. GRCh37 (hg19) VCF-style: chr19-36594382-A-G.
Other names: c.3637A>G, p.Met1213Val (NM_001411145.1, NM_173636.5); c.3403A>G, p.Met1135Val (NM_001411146.1); c.3301A>G, p.Met1101Val (NM_001411147.1); short protein forms M1218V, M1101V, M1135V, M1213V.
Identifiers: ClinVar variation 2062605 (VCV002062605.2), dbSNP rs372140684, ClinGen allele CA9396357.

ClinVar aggregate classification (germline): Uncertain significance (1 of 4 stars; one submission).

Allele frequency attached by ClinVar (database versions not stated): gnomAD exomes below 0.00001; ExAC 0.00003; gnomAD 0.00004; TOPMed 0.00005; ESP Exome Variant Server 0.00008.

Submission:

Labcorp Genetics (formerly Invitae), Labcorp
Classification: Uncertain significance. Last evaluated: 2022-07-03. Review status: criteria provided, single submitter. Criteria: Invitae Variant Classification Sherloc (09022015). Collection method: clinical testing. Allele origin: germline.
Comment: In summary, the available evidence is currently insufficient to determine the role of this variant in disease. Therefore, it has been classified as a Variant of Uncertain Significance. Algorithms developed to predict the effect of missense changes on protein structure and function output the following: SIFT: "Deleterious"; PolyPhen-2: "Benign"; Align-GVGD: "Class C0". The valine amino acid residue is found in multiple mammalian species, which suggests that this missense change does not adversely affect protein function. This variant has not been reported in the literature in individuals affected with WDR62-related conditions. This variant is present in population databases (rs372140684, gnomAD 0.03%). This sequence change replaces methionine, which is neutral and non-polar, with valine, which is neutral and non-polar, at codon 1218 of the WDR62 protein (p.Met1218Val).